The following is an entry in ClinVar:

ClinVar aggregate classification (germline): Uncertain significance (1 of 4 stars; one submission).

Conditions:
Progressive myoclonic epilepsy. Also called: Familial progressive myoclonic epilepsy; Myoclonus epilepsy; Progressive myoclonus epilepsy; Myoclonic Epilepsies, Progressive. Identifiers: Orphanet 308, Orphanet 98261, MedGen C0751778, MONDO:0020074.

Submission:

Labcorp Genetics (formerly Invitae), Labcorp
Classification: Uncertain significance for Progressive myoclonic epilepsy. Last evaluated: 2022-04-16. Review status: criteria provided, single submitter. Criteria: Invitae Variant Classification Sherloc (09022015). Collection method: clinical testing. Allele origin: germline.
Comment: This sequence change replaces histidine, which is basic and polar, with arginine, which is basic and polar, at codon 31 of the GOSR2 protein (p.His31Arg). This variant is not present in population databases (gnomAD no frequency). This variant has not been reported in the literature in individuals affected with GOSR2-related conditions. Algorithms developed to predict the effect of missense changes on protein structure and function (SIFT, PolyPhen-2, Align-GVGD) all suggest that this variant is likely to be tolerated. In summary, the available evidence is currently insufficient to determine the role of this variant in disease. Therefore, it has been classified as a Variant of Uncertain Significance.

NM_004287.5(GOSR2):c.92A>G (p.His31Arg)

Genes: GOSR2 (golgi SNAP receptor complex member 2; plus strand), LRRC37A2 (leucine rich repeat containing 37 member A2). Cytogenetic location: 17q21.32.
Variant type: single nucleotide variant.
Coding change: c.92A>G on transcript NM_004287.5 (MANE Select); coding-DNA position 92, A replaced by G.
Protein change: p.His31Arg; replaces histidine 31 with arginine.
Molecular consequence: missense variant. On other transcripts: non-coding transcript variant (3).
Genome position (GRCh38, 1-based): chr17:46,929,582, A>G. VCF-style: chr17-46929582-A-G. GRCh37 (hg19) VCF-style: chr17-45006948-A-G.
Other names: c.92A>G, p.His31Arg (NM_001012511.3, NM_001321133.2, NM_001330252.2 and 4 more transcripts); c.38A>G, p.His13Arg (NM_001321134.2, NM_001363851.2); short protein forms H31R, H13R.
Identifiers: ClinVar variation 2126674 (VCV002126674.4), dbSNP rs2546215087, ClinGen allele CA400016055.
Genomic context (GRCh38, chr17:46,929,582, plus strand): 5'-AGGTCCACGAGATCCAGTCTTGCATGGGACGCCTGGAGACGGCAGACAAGCAGTCTGTGC[A>G]CAGTGAGTAATTAACTGTGGAGACCAGAGTCCTTTCTCTGATGACAGGGTGCTAATGGGC-3'
Protein context (NP_004278.2, residues 21-41): RLETADKQSV[His31Arg]IVENEIQASI